The following is an entry in ClinVar:

NM_177972.3(TUB):c.1224G>C (p.Glu408Asp)

Genes: RIC3 (RIC3 acetylcholine receptor chaperone; minus strand), TUB (TUB bipartite transcription factor; plus strand). Cytogenetic location: 11p15.4.
Variant type: single nucleotide variant.
Coding change: c.1224G>C on transcript NM_177972.3 (MANE Select); coding-DNA position 1224, G replaced by C.
Protein change: p.Glu408Asp; replaces glutamic acid 408 with aspartic acid.
Molecular consequence: missense variant.
Genome position (GRCh38, 1-based): chr11:8,100,834, G>C. VCF-style: chr11-8100834-G-C. GRCh37 (hg19) VCF-style: chr11-8122381-G-C.
Other names: c.1242G>C, p.Glu414Asp (NM_001440538.1, NM_001440539.1); c.1074G>C, p.Glu358Asp (NM_001440540.1, NM_001440542.1); c.1056G>C, p.Glu352Asp (NM_001440541.1); c.1389G>C, p.Glu463Asp (NM_003320.5); short protein forms E408D, E358D, E414D, E463D, E352D.
Identifiers: ClinVar variation 4995907 (VCV004995907.1).
Genomic context (GRCh38, chr11:8,100,834, plus strand): 5'-TGGTCATGGTGCCAAAGGCCTGGGCCTGGCTCAGGTGAGGCTGCCCTCCCAGGAGCATGA[G>C]ACACTGCTAGCACGCTGGCAGAATAAGAACACGGAGAGTATCATCGAGCTGCAAAACAAG-3'
Protein context (NP_813977.1, residues 398-418): RVSIRPRNEH[Glu408Asp]TLLARWQNKN

ClinVar aggregate classification (germline): Uncertain significance (1 of 4 stars; one submission).

Conditions:
TUB-related disorder. Also called: TUB-related condition.

Submission:

PreventionGenetics, part of Exact Sciences
Classification: Uncertain significance for TUB-related condition. Last evaluated: 2026-02-13. Review status: criteria provided, single submitter. Criteria: ACMG Guidelines, 2015. Collection method: clinical testing. Allele origin: germline.
Comment: The TUB c.1389G>C variant is predicted to result in the amino acid substitution p.Glu463Asp. To our knowledge, this variant has not been reported in the literature or in a large population database (gnomAD), indicating this variant is rare. At this time, the clinical significance of this variant is uncertain due to the absence of conclusive functional and genetic evidence.